The following is an entry in ClinVar:

ClinVar aggregate classification (germline): Uncertain significance (1 of 4 stars; one submission).

Conditions:
Familial cancer of breast. Also called: hereditary breast carcinoma; BREAST CANCER, FAMILIAL; Hereditary breast cancer. Identifiers: Orphanet 227535, MedGen C0346153, MONDO:0016419, OMIM 114480. Disease mechanism: loss of function.
Fanconi anemia complementation group J. Also called: BRIP1-Related Fanconi Anemia. Identifiers: Orphanet 84, MedGen C1836860, MONDO:0012187, OMIM 609054.

Submission:

Labcorp Genetics (formerly Invitae), Labcorp
Classification: Uncertain significance for Familial cancer of breast; Fanconi anemia complementation group J. Last evaluated: 2018-07-31. Review status: criteria provided, single submitter. Criteria: Invitae Variant Classification Sherloc (09022015). Collection method: clinical testing. Allele origin: germline.
Comment: This sequence change replaces arginine with isoleucine at codon 999 of the BRIP1 protein (p.Arg999Ile). The arginine residue is weakly conserved and there is a moderate physicochemical difference between arginine and isoleucine. This variant is not present in population databases (ExAC no frequency). This variant has not been reported in the literature in individuals with BRIP1-related disease. Algorithms developed to predict the effect of missense changes on protein structure and function (SIFT, PolyPhen-2, Align-GVGD) all suggest that this variant is likely to be tolerated, but these predictions have not been confirmed by published functional studies and their clinical significance is uncertain. In summary, the available evidence is currently insufficient to determine the role of this variant in disease. Therefore, it has been classified as a Variant of Uncertain Significance.

NM_032043.3(BRIP1):c.2996G>T (p.Arg999Ile)

Gene: BRIP1 (BRCA1 interacting DNA helicase 1; minus strand). Cytogenetic location: 17q23.2.
Variant type: single nucleotide variant.
Coding change: c.2996G>T on transcript NM_032043.3 (MANE Select); coding-DNA position 2996, G replaced by T.
Protein change: p.Arg999Ile; replaces arginine 999 with isoleucine.
Molecular consequence: missense variant.
Genome position (GRCh38, 1-based): chr17:61,684,050, C>A on the plus strand (G>T on the coding strand, the complement: BRIP1 is on the minus strand). VCF-style: chr17-61684050-C-A. GRCh37 (hg19) VCF-style: chr17-59761411-C-A.
Other names: short protein forms R999I.
Identifiers: ClinVar variation 642683 (VCV000642683.9), dbSNP rs1603275620, ClinGen allele CA400480031.